The following is an entry in ClinVar:

ClinVar aggregate classification (germline): Uncertain significance (1 of 4 stars; one submission).

Allele frequency attached by ClinVar (database versions not stated): TOPMed below 0.00001.

Submission:

Labcorp Genetics (formerly Invitae), Labcorp
Classification: Uncertain significance. Last evaluated: 2022-08-12. Review status: criteria provided, single submitter. Criteria: Invitae Variant Classification Sherloc (09022015). Collection method: clinical testing. Allele origin: germline.
Comment: This sequence change replaces glutamic acid, which is acidic and polar, with glutamine, which is neutral and polar, at codon 737 of the PLK4 protein (p.Glu737Gln). In summary, the available evidence is currently insufficient to determine the role of this variant in disease. Therefore, it has been classified as a Variant of Uncertain Significance. Algorithms developed to predict the effect of sequence changes on RNA splicing suggest that this variant may disrupt the consensus splice site. Algorithms developed to predict the effect of missense changes on protein structure and function (SIFT, PolyPhen-2, Align-GVGD) all suggest that this variant is likely to be tolerated. This variant has not been reported in the literature in individuals affected with PLK4-related conditions. This variant is not present in population databases (gnomAD no frequency).

NM_014264.5(PLK4):c.2209G>C (p.Glu737Gln)

Gene: PLK4 (polo like kinase 4; plus strand). Cytogenetic location: 4q28.1.
Variant type: single nucleotide variant.
Coding change: c.2209G>C on transcript NM_014264.5 (MANE Select); coding-DNA position 2209, G replaced by C.
Protein change: p.Glu737Gln; replaces glutamic acid 737 with glutamine.
Molecular consequence: missense variant.
Genome position (GRCh38, 1-based): chr4:127,893,305, G>C. VCF-style: chr4-127893305-G-C. GRCh37 (hg19) VCF-style: chr4-128814460-G-C.
Other names: c.2113G>C, p.Glu705Gln (NM_001190799.2); c.2086G>C, p.Glu696Gln (NM_001190801.2); short protein forms E696Q, E705Q, E737Q.
Identifiers: ClinVar variation 1714020 (VCV001714020.5), dbSNP rs1248384911, ClinGen allele CA358160968.